The following is an entry in ClinVar:

ClinVar aggregate classification (germline): Uncertain significance (1 of 4 stars; one submission).

Conditions:
Catecholaminergic polymorphic ventricular tachycardia 1. Also called: VENTRICULAR TACHYCARDIA, STRESS-INDUCED POLYMORPHIC 1; RYR2-Related Catecholaminergic Polymorphic Ventricular Tachycardia; VENTRICULAR TACHYCARDIA, CATECHOLAMINERGIC POLYMORPHIC, 1, WITH OR WITHOUT ATRIAL DYSFUNCTION AND/OR DILATED CARDIOMYOPATHY. Identifiers: Orphanet 3286, MedGen C1631597, MONDO:0011484, OMIM 604772.

gnomAD v4.1: 1 of 1,282,582 alleles (0.000078%); no homozygotes.

Submission:

Labcorp Genetics (formerly Invitae), Labcorp
Classification: Uncertain significance for Catecholaminergic polymorphic ventricular tachycardia 1. Last evaluated: 2023-05-03. Review status: criteria provided, single submitter. Criteria: Invitae Variant Classification Sherloc (09022015). Collection method: clinical testing. Allele origin: germline.
Comment: In summary, the available evidence is currently insufficient to determine the role of this variant in disease. Therefore, it has been classified as a Variant of Uncertain Significance. Variants that disrupt the consensus splice site are a relatively common cause of aberrant splicing (PMID: 17576681, 9536098). Algorithms developed to predict the effect of sequence changes on RNA splicing suggest that this variant may disrupt the consensus splice site. This variant has not been reported in the literature in individuals affected with TRDN-related conditions. This variant is not present in population databases (gnomAD no frequency). This sequence change falls in intron 36 of the TRDN gene. It does not directly change the encoded amino acid sequence of the TRDN protein. It affects a nucleotide within the consensus splice site.

Literature cited by the submitters: PubMed 17576681; PubMed 9536098.

NM_006073.4(TRDN):c.1907-3C>T

Gene: TRDN (triadin; minus strand). Cytogenetic location: 6q22.31.
Variant type: single nucleotide variant.
Coding change: c.1907-3C>T on transcript NM_006073.4 (MANE Select); 3 bases into the intron before coding-DNA position 1907, C replaced by T.
Molecular consequence: intron variant.
Genome position (GRCh38, 1-based): chr6:123,255,128, G>A on the plus strand (C>T on the coding strand, the complement: TRDN is on the minus strand). VCF-style: chr6-123255128-G-A. GRCh37 (hg19) VCF-style: chr6-123576273-G-A.
Identifiers: ClinVar variation 2861871 (VCV002861871.3), dbSNP rs1472755385, ClinGen allele CA570329116.